The following is an entry in ClinVar:

ClinVar aggregate classification (germline): Conflicting classifications of pathogenicity. Review status: criteria provided, conflicting classifications (1 of 4 stars). 6 submissions from 6 submitters: Uncertain significance (3); Likely benign (2). 1 of the submissions does not count toward it. Last evaluated 2026-02-25.

Conditions:
Dystrophin deficiency.
Duchenne muscular dystrophy (DMD). Also called: Duchenne Muscular Dystrophy (DMD); MUSCULAR DYSTROPHY, PSEUDOHYPERTROPHIC PROGRESSIVE, DUCHENNE TYPE. Identifiers: Orphanet 98896, MedGen C0013264, MONDO:0010679, OMIM 310200.
Becker muscular dystrophy (BMD). Also called: Becker Muscular Dystrophy (BMD); MUSCULAR DYSTROPHY, PSEUDOHYPERTROPHIC PROGRESSIVE, BECKER TYPE. Identifiers: Orphanet 98895, MedGen C0917713, MONDO:0010311, OMIM 300376.
Cardiomyopathy (CMYO). Also called: Cardiomyopathies. Identifiers: Orphanet 167848, MedGen C0878544, MONDO:0004994, HP:0001638. Inheritance: Various modes of inheritance.
Cardiovascular phenotype. Identifiers: MedGen CN230736.
DMD-related disorder. Also called: DMD-related condition.

Allele frequency attached by ClinVar (database versions not stated): gnomAD exomes below 0.00001 and 0.00001; gnomAD 0.00003; TOPMed 0.00004.
gnomAD v4.1: 6 of 1,209,564 alleles (0.0005%); highest among the groups gnomAD compares: Admixed American, 0.011%; no homozygotes.

Submissions (6):

Ambry Genetics
Classification: Uncertain significance for Cardiovascular phenotype. Last evaluated: 2026-02-25. Review status: criteria provided, single submitter. Criteria: Ambry Variant Classification Scheme 2023. Collection method: clinical testing. Allele origin: germline.
Comment: The c.1586T>C (p.L529S) alteration is located in exon 13 (coding exon 13) of the DMD gene. This alteration results from a T to C substitution at nucleotide position 1586, causing the leucine (L) at amino acid position 529 to be replaced by a serine (S). Based on data from gnomAD, the C allele has an overall frequency of <0.001% (1/182873) total alleles studied. The highest observed frequency was 0.004% (1/27387) of Latino alleles. Based on insufficient or conflicting evidence, the clinical significance of this alteration remains unclear.

PreventionGenetics, part of Exact Sciences
Classification: Likely benign for DMD-related condition. Last evaluated: 2025-06-27. Review status: criteria provided, single submitter. Criteria: ACMG Guidelines, 2015. Collection method: clinical testing. Allele origin: germline.
Comment: This variant is classified as likely benign based on ACMG/AMP sequence variant interpretation guidelines (Richards et al. 2015 PMID: 25741868, with internal and published modifications).

Labcorp Genetics (formerly Invitae), Labcorp
Classification: Likely benign for Duchenne muscular dystrophy. Last evaluated: 2024-05-04. Review status: criteria provided, single submitter. Criteria: Invitae Variant Classification Sherloc (09022015). Collection method: clinical testing. Allele origin: germline.

Women's Health and Genetics/Laboratory Corporation of America, LabCorp
Classification: Uncertain significance. Last evaluated: 2019-06-14. Review status: criteria provided, single submitter. Criteria: LabCorp Variant Classification Summary - May 2015. Collection method: clinical testing. Allele origin: germline.
Comment: Variant summary: DMD c.1586T>C (p.Leu529Ser) results in a non-conservative amino acid change in the encoded protein sequence. Four of five in-silico tools predict a damaging effect of the variant on protein function. The variant allele was found at a frequency of 5.5e-06 in 182873 control chromosomes. The available data on variant occurrences in the general population are insufficient to allow any conclusion about variant significance. To our knowledge, no occurrence of c.1586T>C in individuals affected with Duchenne muscular dystrophy and no experimental evidence demonstrating its impact on protein function have been reported. One clinical diagnostic laboratory has submitted clinical-significance assessments for this variant to ClinVar after 2014 without evidence for independent evaluation and classified the variant as uncertain significance. Based on the evidence outlined above, the variant was classified as uncertain significance.

GeneDx
Classification: Uncertain significance. Last evaluated: 2019-04-01. Review status: criteria provided, single submitter. Criteria: GeneDx Variant Classification Process June 2021. Collection method: clinical testing. Allele origin: germline. Affected: yes.
Comment: Has not been previously published as pathogenic or benign to our knowledge; Reported in ClinVar as a variant of uncertain significance (ClinVar Variant ID# 581693; Landrum et al., 2016); Missense variant in a gene in which most reported pathogenic variants are truncating/loss-of-function; In silico analysis, which includes protein predictors and evolutionary conservation, supports a deleterious effect

Natera, Inc.
Classification: Uncertain significance for Becker muscular dystrophy; Cardiomyopathy; Duchenne muscular dystrophy; Dystrophin deficiency. Last evaluated: 2018-11-08. Review status: no assertion criteria provided. Collection method: clinical testing. Allele origin: germline. Not counted in ClinVar's aggregate classification.

NM_004006.3(DMD):c.1586T>C (p.Leu529Ser)

Gene: DMD (dystrophin; minus strand). Cytogenetic location: Xp21.1.
Variant type: single nucleotide variant.
Coding change: c.1586T>C on transcript NM_004006.3 (MANE Select); coding-DNA position 1586, T replaced by C.
Protein change: p.Leu529Ser; replaces leucine 529 with serine.
Molecular consequence: missense variant.
Genome position (GRCh38, 1-based): chrX:32,595,773, A>G on the plus strand (T>C on the coding strand, the complement: DMD is on the minus strand). VCF-style: chrX-32595773-A-G. GRCh37 (hg19) VCF-style: chrX-32613890-A-G.
Other names: c.1562T>C, p.Leu521Ser (NM_000109.4); c.1574T>C, p.Leu525Ser (NM_004009.3); c.1217T>C, p.Leu406Ser (NM_004010.3); short protein forms L529S, L406S, L525S, L521S.
Identifiers: ClinVar variation 581693 (VCV000581693.14), dbSNP rs889238270, ClinGen allele CA328537368.